The following is an entry in ClinVar:

NM_022464.5(SIL1):c.645+2T>C

Gene: SIL1 (SIL1 nucleotide exchange factor; minus strand). Cytogenetic location: 5q31.2.
Variant type: single nucleotide variant.
Coding change: c.645+2T>C on transcript NM_022464.5 (MANE Select); the canonical splice donor site of the intron after coding-DNA position 645, T replaced by C.
Molecular consequence: splice donor variant.
Genome position (GRCh38, 1-based): chr5:139,026,799, A>G on the plus strand (T>C on the coding strand, the complement: SIL1 is on the minus strand). VCF-style: chr5-139026799-A-G. GRCh37 (hg19) VCF-style: chr5-138362488-A-G.
Other names: IVS6DS, T-C, +2; c.645+2T>C (NM_001037633.2).
Identifiers: ClinVar variation 2624 (VCV000002624.13), dbSNP rs548535414, ClinGen allele CA252368.

ClinVar aggregate classification (germline): Pathogenic/Likely pathogenic. Review status: criteria provided, multiple submitters, no conflicts (2 of 4 stars). 5 submissions from 5 submitters: Pathogenic (1); Likely pathogenic (3). 1 of the submissions does not count toward it. Last evaluated 2025-05-09.

Conditions:
Marinesco-Sjögren syndrome (MSS). Also called: Marinesco-SjÃ¶gren syndrome; Marinesco-Sjogren Syndrome. Identifiers: Orphanet 559, MedGen C0024814, MONDO:0009567, OMIM 248800.

Allele frequency attached by ClinVar (database versions not stated): TOPMed below 0.00001; gnomAD 0.00001; gnomAD exomes 0.00003; ExAC 0.00006.
gnomAD v4.1: 51 of 1,613,898 alleles (0.0032%); highest among the groups gnomAD compares: Non-Finnish European, 0.0042%; no homozygotes.

Submissions (5):

GeneDx
Classification: Pathogenic. Last evaluated: 2025-05-09. Review status: criteria provided, single submitter. Criteria: GeneDx Variant Classification Process June 2021. Collection method: clinical testing. Allele origin: germline. Affected: yes.
Comment: Identified with a second variant in trans in identical twins with Marinesco-Sogren syndrome in published literature (PMID: 16282978); Reported previously in siblings with hypotonia, global developmental delay, ataxia, nystagmus, intellectual disability, dysarthria, cerebellar atrophy, cataracts, myopathy, scoliosis, short stature, and hypogonadism who also harbored a second variant on the opposite allele (in trans) (PMID: 23062754); Published functional studies demonstrate a damaging effect, specifically skipping of exon 6 (PMID: 16282978); Canonical splice site variant predicted to result in an in-frame loss of the adjacent exon in a gene for which loss of function is a known mechanism of disease; Not observed at significant frequency in large population cohorts (gnomAD); This variant is associated with the following publications: (PMID: 23829326, 24176978, 25525159, 31701543, 34852264, 16282978, 23062754)

Women's Health and Genetics/Laboratory Corporation of America, LabCorp
Classification: Likely pathogenic for Marinesco-Sjögren syndrome. Last evaluated: 2024-06-21. Review status: criteria provided, single submitter. Criteria: LabCorp Variant Classification Summary - May 2015. Collection method: clinical testing. Allele origin: germline.
Comment: Variant summary: SIL1 c.645+2T>C is located in a canonical splice-site and is predicted to affect mRNA splicing resulting in a significantly altered protein due to either exon skipping, shortening, or inclusion of intronic material. Several computational tools predict a significant impact on normal splicing: Four predict the variant abolishes a 5' splicing donor site. At least one publication reports experimental evidence that this variant affects mRNA splicing in patient cells, resulting in the in-frame skipping of exon 6 (example, Antonnen_2005). The variant allele was found at a frequency of 3.6e-05 in 251240 control chromosomes. c.645+2T>C has been reported in the literature in the compound heterozygous state in two individuals affected with Marinesco-Sjogren Syndrome (example, Antonnen_2005). These data indicate that the variant may be associated with disease. The following publication has been ascertained in the context of this evaluation (PMID: 16282978). ClinVar contains an entry for this variant (Variation ID: 2624). Based on the evidence outlined above, the variant was classified as likely pathogenic.

Labcorp Genetics (formerly Invitae), Labcorp
Classification: Likely pathogenic for Marinesco-Sjögren syndrome. Last evaluated: 2024-03-20. Review status: criteria provided, single submitter. Criteria: Invitae Variant Classification Sherloc (09022015). Collection method: clinical testing. Allele origin: germline.
Comment: This sequence change affects a donor splice site in intron 6 of the SIL1 gene. It is expected to disrupt RNA splicing. Variants that disrupt the donor or acceptor splice site typically lead to a loss of protein function (PMID: 16199547), and loss-of-function variants in SIL1 are known to be pathogenic (PMID: 16282977, 24176978). This variant is present in population databases (rs548535414, gnomAD 0.008%). Disruption of this splice site has been observed in individual(s) with Marinesco-Sjogren syndrome (PMID: 16282978). In at least one individual the data is consistent with being in trans (on the opposite chromosome) from a pathogenic variant. ClinVar contains an entry for this variant (Variation ID: 2624). Studies have shown that disruption of this splice site is associated with altered splicing resulting in multiple RNA products (PMID: 16282978). In summary, the currently available evidence indicates that the variant is pathogenic, but additional data are needed to prove that conclusively. Therefore, this variant has been classified as Likely Pathogenic.

UNC Molecular Genetics  Laboratory, University of North Carolina at Chapel Hill
Classification: Likely pathogenic for Marinesco-SjÃ¶gren syndrome. Review status: criteria provided, single submitter. Criteria: ACMG Guidelines, 2015. Collection method: research. Allele origin: germline. Affected: no. Observed: 1 variant allele. Study: NSIGHT-NC NEXUS.
Comment: The SIL1 c.645+2T>C (p.?) variant is located in a splice donor site and has been observed in the compound heterozygous state in a family with Marinesco-Sjogren syndrome (PMID: 16282978).

carrier finding

OMIM
Classification: Pathogenic for MARINESCO-SJOGREN SYNDROME. Last evaluated: 2005-12-01. Review status: no assertion criteria provided. Collection method: literature only. Allele origin: germline. Not counted in ClinVar's aggregate classification.

Literature cited by the submitters: PubMed 16282978 (cited by 4 submitters); PubMed 16199547 (cited by Labcorp Genetics (formerly Invitae), Labcorp); PubMed 16282977 (cited by Labcorp Genetics (formerly Invitae), Labcorp); PubMed 24176978 (cited by Labcorp Genetics (formerly Invitae), Labcorp).